The following is an entry in ClinVar:

NM_002880.4(RAF1):c.76A>T (p.Ser26Cys)

Gene: RAF1 (Raf-1 proto-oncogene, serine/threonine kinase; minus strand). Cytogenetic location: 3p25.2.
Variant type: single nucleotide variant.
Coding change: c.76A>T on transcript NM_002880.4 (MANE Select); coding-DNA position 76, A replaced by T.
Protein change: p.Ser26Cys; replaces serine 26 with cysteine.
Molecular consequence: missense variant. On other transcripts: 5 prime UTR variant (4), non-coding transcript variant (3).
Genome position (GRCh38, 1-based): chr3:12,618,646, T>A on the plus strand (A>T on the coding strand, the complement: RAF1 is on the minus strand). VCF-style: chr3-12618646-T-A. GRCh37 (hg19) VCF-style: chr3-12660145-T-A.
Other names: c.76A>T, p.Ser26Cys (NM_001354689.3, NM_001354690.3, NM_001354693.3); c.-55A>T (NM_001354691.3, NM_001354692.3, NM_001354694.3 and 1 more transcripts); short protein forms S26C.
Identifiers: ClinVar variation 3786594 (VCV003786594.1).
Genomic context (GRCh38, chr3:12,618,646, plus strand): 5'-CATCATCTGATGCCCGGCGCTGATAGCCAAACTGCTGAACTATTGTAGGAGAGATGCAGC[T>A]GGAGCCATCAAACACGGCATCTTTGAATCCAAAACCATTGCTGATCGTCTTCCAAGCTCC-3'
Protein context (NP_002871.1, residues 16-36): GFKDAVFDGS[Ser26Cys]CISPTIVQQF

ClinVar aggregate classification (germline): Uncertain significance (1 of 4 stars; one submission).

Conditions:
Cardiovascular phenotype. Identifiers: MedGen CN230736.

Submission:

Ambry Genetics
Classification: Uncertain significance for Cardiovascular phenotype. Last evaluated: 2025-01-14. Review status: criteria provided, single submitter. Criteria: Ambry Variant Classification Scheme 2023. Collection method: clinical testing. Allele origin: germline.
Comment: The p.S26C variant (also known as c.76A>T), located in coding exon 1 of the RAF1 gene, results from an A to T substitution at nucleotide position 76. The serine at codon 26 is replaced by cysteine, an amino acid with dissimilar properties. This amino acid position is well conserved in available vertebrate species. In addition, the in silico prediction for this alteration is inconclusive. Based on the available evidence, the clinical significance of this variant remains unclear.